The following is an entry in ClinVar:

NM_004380.3(CREBBP):c.2806_2811del (p.Pro936_Pro937del)

Gene: CREBBP (CREB binding lysine acetyltransferase; minus strand). Cytogenetic location: 16p13.3.
Variant type: Deletion.
Coding change: c.2806_2811del on transcript NM_004380.3 (MANE Select); coding-DNA positions 2806 to 2811, 6 bases deleted (CCCCCG; older notation c.2806_2811delCCCCCG).
Protein change: p.Pro936_Pro937del.
Molecular consequence: inframe deletion.
Genome position (GRCh38, 1-based): chr16:3,770,639-3,770,644, CGGGGG deleted on the plus strand (CCCCCG on the coding strand, the reverse complement: CREBBP is on the minus strand); deleting any 6 consecutive bases within chr16:3,770,639-3,770,645 gives the same sequence; the c. name uses the placement nearest the transcript's 3' end. VCF-style (leftmost placement, unchanged base first): chr16-3770638-ACGGGGG-A. GRCh37 (hg19) VCF-style: chr16-3820639-ACGGGGG-A.
Other names: c.2692_2697del, p.Pro898_Pro899del (NM_001079846.1).
Identifiers: ClinVar variation 1415020 (VCV001415020.6), dbSNP rs2141199443, ClinGen allele CA2573151994.

ClinVar aggregate classification (germline): Uncertain significance (1 of 4 stars; one submission).

Conditions:
Rubinstein-Taybi syndrome (RSTS). Identifiers: Orphanet 783, MedGen C0035934, MONDO:0019188.

Submission:

Labcorp Genetics (formerly Invitae), Labcorp
Classification: Uncertain significance for Rubinstein-Taybi syndrome. Last evaluated: 2022-08-16. Review status: criteria provided, single submitter. Criteria: Invitae Variant Classification Sherloc (09022015). Collection method: clinical testing. Allele origin: germline.
Comment: Experimental studies and prediction algorithms are not available or were not evaluated, and the functional significance of this variant is currently unknown. ClinVar contains an entry for this variant (Variation ID: 1415020). This variant has not been reported in the literature in individuals affected with CREBBP-related conditions. In summary, the available evidence is currently insufficient to determine the role of this variant in disease. Therefore, it has been classified as a Variant of Uncertain Significance. This variant is not present in population databases (gnomAD no frequency). This variant, c.2806_2811del, results in the deletion of 2 amino acid(s) of the CREBBP protein (p.Pro936_Pro937del), but otherwise preserves the integrity of the reading frame.